The following is an entry in ClinVar:

ClinVar aggregate classification (germline): Uncertain significance. Review status: criteria provided, multiple submitters, no conflicts (2 of 4 stars). 2 submissions from 2 submitters: Uncertain significance (2). Last evaluated 2025-07-17.

Conditions:
Hereditary cancer-predisposing syndrome. Also called: Neoplastic Syndromes, Hereditary; Tumor predisposition; Hereditary Cancer Syndrome; Hereditary neoplastic syndrome. Identifiers: Orphanet 140162, MedGen C0027672, MeSH D009386, MONDO:0015356.

Submissions (2):

Ambry Genetics
Classification: Uncertain significance for Hereditary cancer-predisposing syndrome. Last evaluated: 2025-07-17. Review status: criteria provided, single submitter. Criteria: Ambry Variant Classification Scheme 2023. Collection method: clinical testing. Allele origin: germline.
Comment: The p.A787S variant (also known as c.2359G>T), located in coding exon 4 of the MSH6 gene, results from a G to T substitution at nucleotide position 2359. The alanine at codon 787 is replaced by serine, an amino acid with similar properties. This amino acid position is conserved. In addition, this alteration is predicted to be tolerated by in silico analysis. Based on the available evidence, the clinical significance of this variant remains unclear.

Color Diagnostics, LLC DBA Color Health
Classification: Uncertain significance for Hereditary cancer-predisposing syndrome. Last evaluated: 2023-12-05. Review status: criteria provided, single submitter. Criteria: ACMG Guidelines, 2015. Collection method: clinical testing. Allele origin: germline.
Comment: This missense variant replaces alanine with serine at codon 787 of the MSH6 protein. Computational prediction suggests that this variant may not impact protein structure and function (internally defined REVEL score threshold <= 0.5, PMID: 27666373). To our knowledge, functional studies have not been reported for this variant. This variant has not been reported in individuals affected with MSH6-related disorders in the literature. This variant has not been identified in the general population by the Genome Aggregation Database (gnomAD). The available evidence is insufficient to determine the role of this variant in disease conclusively. Therefore, this variant is classified as a Variant of Uncertain Significance.

NM_000179.3(MSH6):c.2359G>T (p.Ala787Ser)

Gene: MSH6 (mutS homolog 6; plus strand). Cytogenetic location: 2p16.3.
Variant type: single nucleotide variant.
Coding change: c.2359G>T on transcript NM_000179.3 (MANE Select); coding-DNA position 2359, G replaced by T.
Protein change: p.Ala787Ser; replaces alanine 787 with serine.
Molecular consequence: missense variant.
Genome position (GRCh38, 1-based): chr2:47,800,342, G>T. VCF-style: chr2-47800342-G-T. GRCh37 (hg19) VCF-style: chr2-48027481-G-T.
Other names: c.1969G>T, p.Ala657Ser (NM_001281492.2); c.1453G>T, p.Ala485Ser (NM_001281493.2, NM_001281494.2); short protein forms A787S, A485S, A657S.
Identifiers: ClinVar variation 922475 (VCV000922475.5), dbSNP rs1669453352, ClinGen allele CA346753602.
Genomic context (GRCh38, chr2:47,800,342, plus strand): 5'-ACTCCTTTTGGTAAGCGGCTCCTAAAGCAATGGCTTTGTGCCCCACTCTGTAACCATTAT[G>T]CTATTAATGATCGTCTAGATGCCATAGAAGACCTCATGGTTGTGCCTGACAAAATCTCCG-3'
Protein context (NP_000170.1, residues 777-797): WLCAPLCNHY[Ala787Ser]INDRLDAIED